The following is an entry in ClinVar:

ClinVar aggregate classification (germline): Uncertain significance (1 of 4 stars; one submission).

Conditions:
Andersen Tawil syndrome (LQT7). Also called: ANDERSEN CARDIODYSRHYTHMIC PERIODIC PARALYSIS; LONG QT SYNDROME 7; PERIODIC PARALYSIS, POTASSIUM-SENSITIVE CARDIODYSRHYTHMIC TYPE; Andersen Syndrome; Potassium-sensitive periodic paralysis, ventricular ectopy, and dysmorphic features. Identifiers: Orphanet 37553, MedGen C1563715, MONDO:0008222, OMIM 170390.
Short QT syndrome type 3. Identifiers: Orphanet 51083, MedGen C1865018, MONDO:0012314, OMIM 609622.

Submission:

Labcorp Genetics (formerly Invitae), Labcorp
Classification: Uncertain significance for Short QT syndrome type 3; Andersen Tawil syndrome. Last evaluated: 2025-12-26. Review status: criteria provided, single submitter. Criteria: Invitae Variant Classification Sherloc (09022015). Collection method: clinical testing. Allele origin: germline.
Comment: This sequence change replaces leucine, which is neutral and non-polar, with methionine, which is neutral and non-polar, at codon 105 of the KCNJ2 protein (p.Leu105Met). This variant is present in population databases (rs751948464, gnomAD 0.006%). This variant has not been reported in the literature in individuals affected with KCNJ2-related conditions. Invitae Evidence Modeling of protein sequence and biophysical properties (such as structural, functional, and spatial information, amino acid conservation, physicochemical variation, residue mobility, and thermodynamic stability) indicates that this missense variant is not expected to disrupt KCNJ2 protein function with a negative predictive value of 95%. In summary, the available evidence is currently insufficient to determine the role of this variant in disease. Therefore, it has been classified as a Variant of Uncertain Significance.

NM_000891.3(KCNJ2):c.313T>A (p.Leu105Met)

Gene: KCNJ2 (potassium inwardly rectifying channel subfamily J member 2; plus strand). Cytogenetic location: 17q24.3.
Variant type: single nucleotide variant.
Coding change: c.313T>A on transcript NM_000891.3 (MANE Select); coding-DNA position 313, T replaced by A.
Protein change: p.Leu105Met; replaces leucine 105 with methionine.
Molecular consequence: missense variant.
Genome position (GRCh38, 1-based): chr17:70,175,352, T>A. VCF-style: chr17-70175352-T-A. GRCh37 (hg19) VCF-style: chr17-68171493-T-A.
Other names: short protein forms L105M.
Identifiers: ClinVar variation 4788098 (VCV004788098.1).